The following is an entry in ClinVar:

NM_005908.4(MANBA):c.482A>G (p.Tyr161Cys)

Gene: MANBA (mannosidase beta; minus strand). Cytogenetic location: 4q24.
Variant type: single nucleotide variant.
Coding change: c.482A>G on transcript NM_005908.4 (MANE Select); coding-DNA position 482, A replaced by G.
Protein change: p.Tyr161Cys; replaces tyrosine 161 with cysteine.
Molecular consequence: missense variant.
Genome position (GRCh38, 1-based): chr4:102,722,938, T>C on the plus strand (A>G on the coding strand, the complement: MANBA is on the minus strand). VCF-style: chr4-102722938-T-C. GRCh37 (hg19) VCF-style: chr4-103644095-T-C.
Other names: short protein forms Y161C.
Identifiers: ClinVar variation 1040008 (VCV001040008.2), dbSNP rs939522322, ClinGen allele CA103130027.
Genomic context (GRCh38, chr4:102,722,938, plus strand): 5'-ACAAAGTTGACATGGCATTCACCCTTCTGCACAAGTGGAGGGCAGTCTGGGGGAACCTGG[T>C]AGCGAGTGTGAGCTTTGCTCTGCTGTGCTGCATACAACACCGCTGACTGGAAACGCAGCT-3'
Protein context (NP_005899.3, residues 151-171): AAQQSKAHTR[Tyr161Cys]QVPPDCPPLV

ClinVar aggregate classification (germline): Uncertain significance (1 of 4 stars; one submission).

Conditions:
Beta-D-mannosidosis (MANSB). Also called: Beta-Mannosidosis; MANNOSIDOSIS, BETA A, LYSOSOMAL; BETA-MANNOSIDASE DEFICIENCY; LYSOSOMAL BETA-MANNOSIDASE DEFICIENCY. Identifiers: Orphanet 118, MedGen C4048196, MONDO:0009562, OMIM 248510.

Allele frequency attached by ClinVar (database versions not stated): gnomAD exomes below 0.00001; gnomAD 0.00001; TOPMed 0.00002.

Submission:

Labcorp Genetics (formerly Invitae), Labcorp
Classification: Uncertain significance for Beta-D-mannosidosis. Last evaluated: 2021-08-30. Review status: criteria provided, single submitter. Criteria: Invitae Variant Classification Sherloc (09022015). Collection method: clinical testing. Allele origin: germline.
Comment: This sequence change replaces tyrosine with cysteine at codon 161 of the MANBA protein (p.Tyr161Cys). The tyrosine residue is highly conserved and there is a large physicochemical difference between tyrosine and cysteine. This variant is not present in population databases (ExAC no frequency). This variant has not been reported in the literature in individuals affected with MANBA-related conditions. Algorithms developed to predict the effect of missense changes on protein structure and function (SIFT, PolyPhen-2, Align-GVGD) all suggest that this variant is likely to be disruptive. In summary, the available evidence is currently insufficient to determine the role of this variant in disease. Therefore, it has been classified as a Variant of Uncertain Significance.